The following is an entry in ClinVar:

NM_000368.5(TSC1):c.1747C>T (p.Pro583Ser)

Gene: TSC1 (TSC complex subunit 1; minus strand). Cytogenetic location: 9q34.13.
Variant type: single nucleotide variant.
Coding change: c.1747C>T on transcript NM_000368.5 (MANE Select); coding-DNA position 1747, C replaced by T.
Protein change: p.Pro583Ser; replaces proline 583 with serine.
Molecular consequence: missense variant.
Genome position (GRCh38, 1-based): chr9:132,905,831, G>A on the plus strand (C>T on the coding strand, the complement: TSC1 is on the minus strand). VCF-style: chr9-132905831-G-A. GRCh37 (hg19) VCF-style: chr9-135781218-G-A.
Other names: c.1744C>T, p.Pro582Ser (NM_001162426.2, NM_001406597.1, NM_001406598.1 and 6 more transcripts); c.1594C>T, p.Pro532Ser (NM_001162427.2, NM_001406610.1); c.1384C>T, p.Pro462Ser (NM_001362177.2, NM_001406614.1, NM_001406615.1 and 5 more transcripts); c.1747C>T, p.Pro583Ser (NM_001406592.1, NM_001406593.1, NM_001406594.1 and 7 more transcripts); c.1591C>T, p.Pro531Ser (NM_001406611.1, NM_001406612.1, NM_001406613.1); c.1381C>T, p.Pro461Ser (NM_001406620.1, NM_001406621.1, NM_001406622.1 and 2 more transcripts); c.796C>T, p.Pro266Ser (NM_001406626.1); c.793C>T, p.Pro265Ser (NM_001406627.1, NM_001406628.1); and 1 more; short protein forms P582S, P462S, P531S, P532S, P265S, P461S, P232S, P266S.
Identifiers: ClinVar variation 1779321 (VCV001779321.9), dbSNP rs2131827202, ClinGen allele CA375363814.

ClinVar aggregate classification (germline): Uncertain significance. Review status: criteria provided, multiple submitters, no conflicts (2 of 4 stars). 3 submissions from 3 submitters: Uncertain significance (3). Last evaluated 2025-01-25.

Conditions:
Hereditary cancer-predisposing syndrome. Also called: Hereditary Cancer Syndrome; Hereditary neoplastic syndrome; Neoplastic Syndromes, Hereditary; Tumor predisposition. Identifiers: Orphanet 140162, MedGen C0027672, MeSH D009386, MONDO:0015356.
Tuberous sclerosis 1 (TSC1). Identifiers: Orphanet 805, MedGen C1854465, MONDO:0008612, OMIM 191100.

gnomAD v4.1: 3 of 1,614,146 alleles (0.00019%); highest among the groups gnomAD compares: Non-Finnish European, 0.00025%; no homozygotes.

Submissions (3):

Ambry Genetics
Classification: Uncertain significance for Hereditary cancer-predisposing syndrome. Last evaluated: 2025-01-25. Review status: criteria provided, single submitter. Criteria: Ambry Variant Classification Scheme 2023. Collection method: clinical testing. Allele origin: germline.
Comment: The p.P583S variant (also known as c.1747C>T), located in coding exon 13 of the TSC1 gene, results from a C to T substitution at nucleotide position 1747. The proline at codon 583 is replaced by serine, an amino acid with similar properties. This amino acid position is well conserved in available vertebrate species. In addition, this alteration is predicted to be deleterious by in silico analysis. Based on the available evidence, the clinical significance of this variant remains unclear.

Labcorp Genetics (formerly Invitae), Labcorp
Classification: Uncertain significance for Tuberous sclerosis 1. Last evaluated: 2022-09-03. Review status: criteria provided, single submitter. Criteria: Invitae Variant Classification Sherloc (09022015). Collection method: clinical testing. Allele origin: germline.
Comment: In summary, the available evidence is currently insufficient to determine the role of this variant in disease. Therefore, it has been classified as a Variant of Uncertain Significance. Algorithms developed to predict the effect of missense changes on protein structure and function are either unavailable or do not agree on the potential impact of this missense change (SIFT: "Tolerated"; PolyPhen-2: "Possibly Damaging"; Align-GVGD: "Class C0"). This variant has not been reported in the literature in individuals affected with TSC1-related conditions. This variant is not present in population databases (gnomAD no frequency). This sequence change replaces proline, which is neutral and non-polar, with serine, which is neutral and polar, at codon 583 of the TSC1 protein (p.Pro583Ser).

Blueprint Genetics
Classification: Uncertain significance. Last evaluated: 2020-06-25. Review status: criteria provided, single submitter. Criteria: ACMG Guidelines, 2015. Collection method: clinical testing. Allele origin: germline.